The following is an entry in ClinVar:

ClinVar aggregate classification (germline): Likely benign (1 of 4 stars; one submission).

Submission:

CeGaT Center for Human Genetics Tuebingen
Classification: Likely benign. Last evaluated: 2026-09-01. Review status: criteria provided, single submitter. Criteria: CeGaT Center For Human Genetics Tuebingen Variant Classification Criteria Version 2. Collection method: clinical testing. Allele origin: germline. Affected: yes. Observed: 3 variant alleles.
Comment: TTN: PM2:Supporting, BP4, BP7

NM_001267550.2(TTN):c.95610G>C (p.Val31870=)

Genes: TTN (titin; minus strand), TTN-AS1 (TTN antisense RNA 1; plus strand). Cytogenetic location: 2q31.2.
Variant type: single nucleotide variant.
Coding change: c.95610G>C on transcript NM_001267550.2 (MANE Select); coding-DNA position 95610, G replaced by C.
Protein change: p.Val31870=; no amino-acid change (valine 31870 retained).
Molecular consequence: synonymous variant.
Genome position (GRCh38, 1-based): chr2:178,545,500, C>G on the plus strand (G>C on the coding strand, the complement: TTN is on the minus strand). VCF-style: chr2-178545500-C-G. GRCh37 (hg19) VCF-style: chr2-179410227-C-G.
Other names: c.90687G>C, p.Val30229= (NM_001256850.1); c.68415G>C, p.Val22805= (NM_003319.4); c.87906G>C, p.Val29302= (NM_133378.4); c.68790G>C, p.Val22930= (NM_133432.3); c.68991G>C, p.Val22997= (NM_133437.4).
Identifiers: ClinVar variation 4873177 (VCV004873177.2).